The following continues an entry in ClinVar:

NM_000540.3(RYR1):c.10097G>A (p.Arg3366His)

Gene: RYR1. ClinVar aggregate classification (germline): Likely benign. Likely benign (1).

Submissions 8 to 26 of 31:

Laboratory of Genetics, Children's Clinical University Hospital Latvia
Classification: Likely benign. Last evaluated: 2025-02-16. Review status: criteria provided, single submitter. Criteria: ACMG Guidelines, 2015. Collection method: clinical testing. Allele origin: germline. Affected: yes. Not counted in ClinVar's aggregate classification.

Revvity Omics, Revvity
Classification: Uncertain significance. Last evaluated: 2024-12-15. Review status: criteria provided, single submitter. Criteria: ACMG Guidelines, 2015. Collection method: clinical testing. Allele origin: germline. Not counted in ClinVar's aggregate classification.

Athena Diagnostics
Classification: Uncertain significance. Last evaluated: 2024-12-13. Review status: criteria provided, single submitter. Criteria: Athena Diagnostics Criteria. Collection method: clinical testing. Allele origin: unknown. Not counted in ClinVar's aggregate classification.

Blueprint Genetics
Classification: Uncertain significance. Last evaluated: 2024-10-25. Review status: criteria provided, single submitter. Criteria: ACMG Guidelines, 2015. Collection method: clinical testing. Allele origin: germline. Not counted in ClinVar's aggregate classification.

All of Us Research Program, National Institutes of Health
Classification: Likely benign for Malignant hyperthermia, susceptibility to, 1. Last evaluated: 2024-09-27. Review status: criteria provided, single submitter. Criteria: ACMG Guidelines, 2015. Collection method: clinical testing. Allele origin: germline. Inheritance: Autosomal dominant inheritance. Observed: 381 variant alleles, 381 heterozygotes. Not counted in ClinVar's aggregate classification.
Comment: This study involves interpretation of variants in research participants for the purpose of population health screening. Participant phenotype was not available at the time of variant classification. Additional details can be found in publication PMID: 35346344, PMCID: PMC8962531

Fulgent Genetics
Classification: Uncertain significance for Central core myopathy; Malignant hyperthermia, susceptibility to, 1; Congenital multicore myopathy with external ophthalmoplegia; King Denborough syndrome. Last evaluated: 2024-06-11. Review status: criteria provided, single submitter. Criteria: ACMG Guidelines, 2015. Collection method: clinical testing. Allele origin: germline. Not counted in ClinVar's aggregate classification.

Molecular Genetics, Royal Melbourne Hospital
Classification: Uncertain significance for RYR1-related myopathy. Last evaluated: 2023-04-11. Review status: criteria provided, single submitter. Criteria: ACMG Guidelines, 2015. Collection method: clinical testing. Allele origin: germline. Not counted in ClinVar's aggregate classification.
Comment: This sequence change in RYR1 is predicted to replace arginine with histidine at codon 3366, p.(Arg3366His). The arginine residue is moderately conserved (100 vertebrates, UCSC), and is located in exon 67. There is a small physicochemical difference between arginine and histidine. The highest population minor allele frequency in the population database gnomAD v2.1 is 0.14% (174/128,896 alleles) in the European (non-Finnish) population. This variant is almost always reported in a haplotype with two other RYR1 missense variants, p.[(Ile1571Val);(Arg3366His);(Tyr3933Cys)]. The haplotype has been detected in at least 19 individuals with a phenotype consistent with RYR1-related myopathy with/without malignant hyperthermia susceptibility (MHS). Of those individuals, 14 were compound heterozygous for the variant and a pathogenic or likely pathogenic variant and 8 of those were confirmed in trans by parental/family testing (PMID: 22473935, 23394784, 24950660, 25958340, 25960145, 30611313, 32236737, 35428369). The haplotype segregates with myopathy in a recessive mode of inheritance in at least one family, and there is conflicting evidence for segregation with MHS (PMID: 22473935, 23394784, 25958340). There is limited evidence that the monoallelic haplotype is associated with RYR1-related disease, it has been detected in individuals that unaffected, with MHS, and symptomatic hyperCKaemia (PMID: 25958340, 28259615, 31517061, 32236737). To our knowledge, the variant has not been detected alone. Multiple lines of computational evidence have conflicting predictions for the missense substitution (3/5 algorithms predict deleterious). Based on the classification scheme RMH Modified ACMG Guidelines v1.5.1, this variant is classified as a VARIANT OF UNCERTAIN SIGNIFICANCE. Following criteria are met: none. The haplotype is classified as LIKELY PATHOGENIC. Following criteria are met: PM3_VeryStrong, PP1.

Color Diagnostics, LLC DBA Color Health
Classification: Likely benign for Malignant hyperthermia, susceptibility to, 1. Last evaluated: 2023-03-20. Review status: criteria provided, single submitter. Criteria: ACMG Guidelines, 2015. Collection method: clinical testing. Allele origin: germline. Not counted in ClinVar's aggregate classification.

MGZ Medical Genetics Center
Classification: Uncertain significance for Malignant hyperthermia, susceptibility to, 1. Last evaluated: 2022-07-27. Review status: criteria provided, single submitter. Criteria: ACMG Guidelines, 2015. Collection method: clinical testing. Allele origin: germline. Affected: yes. Observed: 2 variant alleles. Not counted in ClinVar's aggregate classification.
Comment: ACMG criteria applied: PP3

Victorian Clinical Genetics Services, Murdoch Childrens Research Institute
Classification: Uncertain significance for RYR1-related myopathy. Last evaluated: 2020-10-19. Review status: criteria provided, single submitter. Criteria: ACMG Guidelines, 2015. Collection method: clinical testing. Allele origin: germline. Not counted in ClinVar's aggregate classification.
Comment: Based on the classification scheme VCGS_Germline_v1.1.1, this variant is classified as a VUS. Following criteria are met: 0103 - Both loss- and gain-of-function are known mechanisms of disease for this gene (PMID: 23919265) (N) 0108 - This gene is known to be associated with both recessive and dominant disease (OMIM) (N) 0112 - Variants in this gene are known to have reduced penetrance (PMID: 31206373). (N) 0200 - Variant is predicted to result in a missense amino acid change from arginine to histidine (exon 67). (N) 0251 - Variant is heterozygous. (N) 0304 - Variant is present in gnomAD <0.01 for a recessive condition (243 heterozygotes, 0 homozygotes). (P) 0502 - Missense variant with conflicting in silico predictions and/or uninformative conservation. (N) 0604 - Variant is not located in an established domain, motif, hotspot or informative constraint region. (N) 0708 - Comparable variants have conflicting previous evidence for pathogenicity. p.(Arg3366Ser) and p.(Arg3366Leu) each have a single VUS entry in ClinVar (N) 0808 - Previous reports of pathogenicity are conflicting. This variant has been reported as VUS (7x), likely benign (1x) and benign (1x) in ClinVar. It has also previously been reported in cis with two additional RYR1 variants (p.(Ile1571Val) and p.(Tyr3933Cys)) in MH susceptible individuals (PMID: 25958340). In addition, these three RYR1 variants have been reported in trans with the pathogenic p.(Val4849Ile) variant in patients with CCD, multiminicore disease, as well as in a patient with core myopathy and MH susceptibility (PMID: 25960145). (N) 0905 - No segregation evidence has been identified for this variant. (N) 1007 - No published functional evidence has been identified for this variant. (N) 1208 - Inheritance information for this variant is not currently available. (N) Legend: (P) - Pathogenic, (N) - Neutral, (B) - Benign

Laboratorio de Genetica e Diagnostico Molecular, Hospital Israelita Albert Einstein
Classification: Uncertain significance. Last evaluated: 2020-07-11. Review status: criteria provided, single submitter. Criteria: ACMG Guidelines, 2015. Collection method: clinical testing. Allele origin: germline. Affected: yes. Not counted in ClinVar's aggregate classification.
Comment: ACMG classification criteria: PS4, PM3

Mendelics
Classification: Benign for Malignant hyperthermia, susceptibility to, 1. Last evaluated: 2019-05-28. Review status: criteria provided, single submitter. Criteria: Mendelics Assertion Criteria 2017. Collection method: clinical testing. Allele origin: unknown. Not counted in ClinVar's aggregate classification.

Baylor Genetics
Classification: Uncertain significance for Central core myopathy. Last evaluated: 2019-05-05. Review status: criteria provided, single submitter. Criteria: ACMG Guidelines, 2015. Collection method: clinical testing. Allele origin: paternal. Affected: yes. Not counted in ClinVar's aggregate classification.
Comment: This variant was determined to be of uncertain significance according to ACMG Guidelines, 2015 [PMID:25741868].

Fulgent Genetics
Classification: Uncertain significance for Central core myopathy; Malignant hyperthermia, susceptibility to, 1; Congenital myopathy 4A, autosomal dominant; Congenital multicore myopathy with external ophthalmoplegia. Last evaluated: 2018-10-31. Review status: criteria provided, single submitter. Criteria: ACMG Guidelines, 2015. Collection method: clinical testing. Allele origin: unknown. Not counted in ClinVar's aggregate classification.

PreventionGenetics, part of Exact Sciences
Classification: Uncertain significance. Last evaluated: 2016-08-15. Review status: criteria provided, single submitter. Criteria: ACMG Guidelines, 2015. Collection method: clinical testing. Allele origin: germline. Not counted in ClinVar's aggregate classification.

Eurofins Ntd Llc (ga)
Classification: Uncertain significance. Last evaluated: 2016-06-03. Review status: criteria provided, single submitter. Criteria: EGL Classification Definitions 2015. Collection method: clinical testing. Allele origin: germline. Observed: 8 variant alleles, 8 heterozygotes. Not counted in ClinVar's aggregate classification.

Genetic Services Laboratory, University of Chicago
Classification: Uncertain significance. Last evaluated: 2014-04-29. Review status: criteria provided, single submitter. Criteria: ACMG Guidelines, 2007. Collection method: clinical testing. Allele origin: germline. Inheritance: Autosomal unknown. Not counted in ClinVar's aggregate classification.

Biesecker Lab/Clinical Genomics Section, National Institutes of Health
Classification: Uncertain significance for Malignant hyperthermia, susceptibility to, 1. Last evaluated: 2013-07-01. Review status: criteria provided, single submitter. Criteria: Gonsalves et al. 2013. Collection method: research. Allele origin: unknown. Observed: 1 variant allele. Study: ClinSeq. Not counted in ClinVar's aggregate classification.
Comment: The study set was not selected for affection status in relation to any myopathy. Pathogenicity categories were based on literature curation. See Pubmed ID: 24195946 for details.

Breakthrough Genomics
Classification: Likely benign. Review status: criteria provided, single submitter. Criteria: ACMG Guidelines, 2015. Collection method: not provided. Allele origin: germline. Inheritance: Autosomal recessive inheritance. Affected: yes. Not counted in ClinVar's aggregate classification.